The following is an entry in ClinVar:

ClinVar aggregate classification (germline): Uncertain significance (1 of 4 stars; one submission).

Conditions:
Oligodontia-cancer predisposition syndrome. Also called: TOOTH AGENESIS-COLORECTAL CANCER SYNDROME. Identifiers: Orphanet 300576, MedGen C1837750, MONDO:0012075, OMIM 608615. Disease mechanism: loss of function.

Submission:

Labcorp Genetics (formerly Invitae), Labcorp
Classification: Uncertain significance for Oligodontia-cancer predisposition syndrome. Last evaluated: 2023-09-26. Review status: criteria provided, single submitter. Criteria: Invitae Variant Classification Sherloc (09022015). Collection method: clinical testing. Allele origin: germline.
Comment: This sequence change replaces arginine, which is basic and polar, with serine, which is neutral and polar, at codon 339 of the AXIN2 protein (p.Arg339Ser). This variant is not present in population databases (gnomAD no frequency). This variant has not been reported in the literature in individuals affected with AXIN2-related conditions. Advanced modeling of protein sequence and biophysical properties (such as structural, functional, and spatial information, amino acid conservation, physicochemical variation, residue mobility, and thermodynamic stability) performed at Invitae indicates that this missense variant is expected to disrupt AXIN2 protein function. In summary, the available evidence is currently insufficient to determine the role of this variant in disease. Therefore, it has been classified as a Variant of Uncertain Significance.

NM_004655.4(AXIN2):c.1015C>A (p.Arg339Ser)

Gene: AXIN2 (axin 2; minus strand). Cytogenetic location: 17q24.1.
Variant type: single nucleotide variant.
Coding change: c.1015C>A on transcript NM_004655.4 (MANE Select); coding-DNA position 1015, C replaced by A.
Protein change: p.Arg339Ser; replaces arginine 339 with serine.
Molecular consequence: missense variant.
Genome position (GRCh38, 1-based): chr17:65,541,499, G>T on the plus strand (C>A on the coding strand, the complement: AXIN2 is on the minus strand). VCF-style: chr17-65541499-G-T. GRCh37 (hg19) VCF-style: chr17-63537617-G-T.
Other names: c.1015C>A, p.Arg339Ser (NM_001363813.1); short protein forms R339S.
Identifiers: ClinVar variation 2763362 (VCV002763362.3), dbSNP rs1060502160, ClinGen allele CA400679230.